The following is an entry in ClinVar:

ClinVar aggregate classification (germline): Uncertain significance. Review status: criteria provided, multiple submitters, no conflicts (2 of 4 stars). 2 submissions from 2 submitters: Uncertain significance (2). Last evaluated 2025-04-08.

Allele frequency attached by ClinVar (database versions not stated): gnomAD 0.00009; gnomAD exomes 0.00012; ESP Exome Variant Server 0.00008; TOPMed 0.00009; ExAC 0.00020.

Submissions (2):

Ambry Genetics
Classification: Uncertain significance. Last evaluated: 2025-04-08. Review status: criteria provided, single submitter. Criteria: Ambry Variant Classification Scheme 2023. Collection method: clinical testing. Allele origin: germline.

Labcorp Genetics (formerly Invitae), Labcorp
Classification: Uncertain significance. Last evaluated: 2022-11-16. Review status: criteria provided, single submitter. Criteria: Invitae Variant Classification Sherloc (09022015). Collection method: clinical testing. Allele origin: germline.
Comment: In summary, the available evidence is currently insufficient to determine the role of this variant in disease. Therefore, it has been classified as a Variant of Uncertain Significance. This variant is present in population databases (rs375124943, gnomAD 0.03%). This sequence change replaces arginine, which is basic and polar, with histidine, which is basic and polar, at codon 315 of the KRT85 protein (p.Arg315His). This variant has not been reported in the literature in individuals affected with KRT85-related conditions. Advanced modeling of protein sequence and biophysical properties (such as structural, functional, and spatial information, amino acid conservation, physicochemical variation, residue mobility, and thermodynamic stability) performed at Invitae indicates that this missense variant is not expected to disrupt KRT85 protein function.

NM_002283.4(KRT85):c.944G>A (p.Arg315His)

Gene: KRT85 (keratin 85; minus strand). Cytogenetic location: 12q13.13.
Variant type: single nucleotide variant.
Coding change: c.944G>A on transcript NM_002283.4 (MANE Select); coding-DNA position 944, G replaced by A.
Protein change: p.Arg315His; replaces arginine 315 with histidine.
Molecular consequence: missense variant.
Genome position (GRCh38, 1-based): chr12:52,363,253, C>T on the plus strand (G>A on the coding strand, the complement: KRT85 is on the minus strand). VCF-style: chr12-52363253-C-T. GRCh37 (hg19) VCF-style: chr12-52757037-C-T.
Other names: c.308G>A, p.Arg103His (NM_001300810.1); c.944G>A (NM_002283.3); short protein forms R103H, R315H.
Identifiers: ClinVar variation 2047199 (VCV002047199.4), dbSNP rs375124943, ClinGen allele CA6578095.